The following is an entry in ClinVar:

NM_000180.4(GUCY2D):c.484dup (p.Ala162fs)

Gene: GUCY2D (guanylate cyclase 2D, retinal; plus strand). Cytogenetic location: 17p13.1.
Variant type: Duplication.
Coding change: c.484dup on transcript NM_000180.4 (MANE Select); coding-DNA position 484, one base duplicated (G; older notation c.484dupG).
Protein change: p.Ala162fs; shifts the reading frame from alanine 162.
Molecular consequence: frameshift variant.
Genome position (GRCh38, 1-based): chr17:8,003,531, G duplicated; the last of 2 consecutive G bases (chr17:8,003,530-8,003,531); duplicating either gives the same sequence. VCF-style (leftmost placement, unchanged base first): chr17-8003529-C-CG. GRCh37 (hg19) VCF-style: chr17-7906847-C-CG.
Other names: short protein forms A162fs.
Identifiers: ClinVar variation 1072504 (VCV001072504.7), dbSNP rs2151799452, ClinGen allele CA2499224987.
Genomic context (GRCh38, chr17:8,003,529, plus strand): 5'-AAGAAGCCGGGATCGCGCTGGTGCCCTGGGGCTGCCCCTGGACGCAGGCGGAGGGCACCA[C>CG]GGCCCCTGCCGTGACCCCCGCCGCGGATGCCCTCTACGCCCTGCTTCGCGCATTCGGCTG-3'

ClinVar aggregate classification (germline): Pathogenic (1 of 4 stars; one submission).

Conditions:
Cone-rod dystrophy 6 (CORD6). Also called: RETINAL CONE DYSTROPHY 2; Cone dystrophy progressive. Identifiers: Orphanet 1872, MedGen C1866293, MONDO:0011143, OMIM 601777.
Leber congenital amaurosis 1 (LCA1). Also called: Congenital absence of the rods and cones; Leber's congenital tapetoretinal degeneration; Leber's congenital tapetoretinal dysplasia; RETINAL BLINDNESS, CONGENITAL; AMAUROSIS CONGENITA OF LEBER I. Identifiers: Orphanet 65, MedGen C2931258, MONDO:0008764, OMIM 204000.

Submission:

Labcorp Genetics (formerly Invitae), Labcorp
Classification: Pathogenic for Leber congenital amaurosis 1; Cone-rod dystrophy 6. Last evaluated: 2020-08-14. Review status: criteria provided, single submitter. Criteria: Invitae Variant Classification Sherloc (09022015). Collection method: clinical testing. Allele origin: germline.
Comment: This variant has not been reported in the literature in individuals with GUCY2D-related conditions. This sequence change creates a premature translational stop signal (p.Ala162Glyfs*157) in the GUCY2D gene. It is expected to result in an absent or disrupted protein product. The frequency data for this variant in the population databases is considered unreliable, as metrics indicate insufficient coverage at this position in the ExAC database. Loss-of-function variants in GUCY2D are known to be pathogenic (PMID: 10951519, 11328726). For these reasons, this variant has been classified as Pathogenic.

Literature cited by the submitters: PubMed 10951519; PubMed 11328726.